The following is an entry in ClinVar:

NC_000019.9:g.(?_39205089)_(40913839_?)dup

Genes: ACP7 (acid phosphatase 7, tartrate resistant (putative); plus strand), ACTN4 (actinin alpha 4; plus strand), AKT2 (AKT serine/threonine kinase 2; minus strand), C19orf47 (chromosome 19 open reading frame 47; minus strand), CAPN12 (calpain 12; minus strand) and 50 more. Cytogenetic location: 19q13.2.
Variant type: Duplication.
Identifiers: ClinVar variation 2424211 (VCV002424211.14).

ClinVar aggregate classification (germline): Uncertain significance. Review status: criteria provided, single submitter (1 of 4 stars). 2 submissions from 1 submitter: Uncertain significance (1). 1 of the submissions does not count toward it. Last evaluated 2022-10-06.

Conditions:
Type 2 diabetes mellitus. Also called: Type II diabetes mellitus. Identifiers: MedGen C0011860, MeSH D003924, MONDO:0005148, OMIM 125853, HP:0005978.
Hypoinsulinemic hypoglycemia and body hemihypertrophy. Also called: Hypoinsulinemic hypoglycemia and hemihypertrophy. Identifiers: Orphanet 293964, MedGen C3278384, MONDO:0009416, OMIM 240900.

Submissions (2):

Labcorp Genetics (formerly Invitae), Labcorp
Classification: Uncertain significance. Last evaluated: 2022-10-06. Review status: criteria provided, single submitter. Criteria: Invitae Variant Classification Sherloc (09022015). Collection method: clinical testing. Allele origin: germline.
Comment: A copy number gain of the genomic region encompassing the full coding sequence of the DYRK1B gene has been identified. The boundaries of this event are unknown as they extend beyond the assayed region for this gene and therefore may encompass additional genes. As the precise location of this event is unknown, it may be in tandem or it may be located elsewhere in the genome. This variant has not been reported in the literature in individuals affected with DYRK1B-related conditions. In summary, the available evidence is currently insufficient to determine the role of this variant in disease. Therefore, it has been classified as a Variant of Uncertain Significance.

Labcorp Genetics (formerly Invitae), Labcorp
Classification: Uncertain significance for Hypoinsulinemic hypoglycemia and body hemihypertrophy; Type 2 diabetes mellitus. Last evaluated: 2022-10-06. Review status: flagged submission. Criteria: Invitae Variant Classification Sherloc (09022015). Collection method: clinical testing. Allele origin: germline. Not counted in ClinVar's aggregate classification.
Comment: A copy number gain of the genomic region encompassing the full coding sequence of the AKT2 gene has been identified. The boundaries of this event are unknown as they extend beyond the assayed region for this gene and therefore may encompass additional genes. As the precise location of this event is unknown, it may be in tandem or it may be located elsewhere in the genome. This variant has not been reported in the literature in individuals affected with AKT2-related conditions. In summary, the available evidence is currently insufficient to determine the role of this variant in disease. Therefore, it has been classified as a Variant of Uncertain Significance.
ClinVar note: Reason: This record appears to be redundant with a more recent record from the same submitter.
ClinVar note: Notes: SCV003793627 appears to be redundant with SCV003793842.